The following is an entry in ClinVar:

NM_006939.4(SOS2):c.627A>G (p.Glu209=)

Gene: SOS2 (SOS Ras/Rho guanine nucleotide exchange factor 2; minus strand). Cytogenetic location: 14q21.3.
Variant type: single nucleotide variant.
Coding change: c.627A>G on transcript NM_006939.4 (MANE Select); coding-DNA position 627, A replaced by G.
Protein change: p.Glu209=; no amino-acid change (glutamic acid 209 retained).
Molecular consequence: synonymous variant.
Genome position (GRCh38, 1-based): chr14:50,188,584, T>C on the plus strand (A>G on the coding strand, the complement: SOS2 is on the minus strand). VCF-style: chr14-50188584-T-C. GRCh37 (hg19) VCF-style: chr14-50655302-T-C.
Other names: c.627A>G (NM_006939.3).
Identifiers: ClinVar variation 706639 (VCV000706639.14), dbSNP rs771839900, ClinGen allele CA7177483.

ClinVar aggregate classification (germline): Likely benign. Review status: criteria provided, multiple submitters, no conflicts (2 of 4 stars). 5 submissions from 5 submitters: Likely benign (4). 1 of the submissions does not count toward it. Last evaluated 2026-06-01.

Conditions:
SOS2-related disorder. Also called: SOS2-related condition.
Noonan syndrome 9 (NS9). Identifiers: Orphanet 648, MedGen C4225282, MONDO:0014691, OMIM 616559.
Cardiovascular phenotype. Identifiers: MedGen CN230736.

Allele frequency attached by ClinVar (database versions not stated): ExAC 0.00002; gnomAD exomes 0.00002 and 0.00003; TOPMed 0.00006; gnomAD 0.00007.
gnomAD v4.1: 53 of 1,607,772 alleles (0.0033%); highest among the groups gnomAD compares: Admixed American, 0.026%; no homozygotes.

Submissions (5):

CeGaT Center for Human Genetics Tuebingen
Classification: Likely benign. Last evaluated: 2026-06-01. Review status: criteria provided, single submitter. Criteria: CeGaT Center For Human Genetics Tuebingen Variant Classification Criteria Version 2. Collection method: clinical testing. Allele origin: germline. Affected: yes. Observed: 1 variant allele.
Comment: SOS2: BP4

Labcorp Genetics (formerly Invitae), Labcorp
Classification: Likely benign for Noonan syndrome 9. Last evaluated: 2025-12-23. Review status: criteria provided, single submitter. Criteria: Invitae Variant Classification Sherloc (09022015). Collection method: clinical testing. Allele origin: germline.

Ambry Genetics
Classification: Likely benign for Cardiovascular phenotype. Last evaluated: 2025-02-23. Review status: criteria provided, single submitter. Criteria: Ambry Variant Classification Scheme 2023. Collection method: clinical testing. Allele origin: germline.

Blueprint Genetics
Classification: Likely benign. Last evaluated: 2024-10-14. Review status: criteria provided, single submitter. Criteria: ACMG Guidelines, 2015. Collection method: clinical testing. Allele origin: germline.

PreventionGenetics, part of Exact Sciences
Classification: Likely benign for SOS2-related condition. Last evaluated: 2023-04-09. Review status: no assertion criteria provided. Collection method: clinical testing. Allele origin: germline. Not counted in ClinVar's aggregate classification.
Comment: This variant is classified as likely benign based on ACMG/AMP sequence variant interpretation guidelines (Richards et al. 2015 PMID: 25741868, with internal and published modifications).